The following is an entry in ClinVar:

ClinVar aggregate classification (germline): Conflicting classifications of pathogenicity. Review status: criteria provided, conflicting classifications (1 of 4 stars). 3 submissions from 3 submitters: Uncertain significance (2); Likely benign (1). Last evaluated 2025-12-30.

Conditions:
Cardiovascular phenotype. Identifiers: MedGen CN230736.
Familial hypobetalipoproteinemia 1. Also called: Hypobetalipoproteinemia, normotriglyceridemic; Acanthocytosis with hypobetalipoproteinemia; APOB-Related Familial Hypobetalipoproteinemia. Identifiers: MedGen C4551990, MONDO:0014252, OMIM 615558.
Hypercholesterolemia, autosomal dominant, type B (FHCL2). Also called: Familial Hypercholesterolemia Type B; APOLIPOPROTEIN B-100, FAMILIAL DEFECTIVE; APOLIPOPROTEIN B-100, FAMILIAL LIGAND-DEFECTIVE; HYPERCHOLESTEROLEMIA, FAMILIAL, DUE TO LIGAND-DEFECTIVE APOLIPOPROTEIN B; Familial hypercholesterolemia 2; APOB-Related Familial Hypercholesterolemia, Autosomal Dominant. Identifiers: MedGen C1704417, MONDO:0007751, OMIM 144010.

Allele frequency attached by ClinVar (database versions not stated): gnomAD 0.00003; TOPMed 0.00004.
gnomAD v4.1: 12 of 1,613,992 alleles (0.00074%); highest among the groups gnomAD compares: African/African-American, 0.016%; no homozygotes.

Submissions (3):

Ambry Genetics
Classification: Uncertain significance for Cardiovascular phenotype. Last evaluated: 2025-12-30. Review status: criteria provided, single submitter. Criteria: Ambry Variant Classification Scheme 2023. Collection method: clinical testing. Allele origin: germline.

GeneDx
Classification: Uncertain significance. Last evaluated: 2025-02-27. Review status: criteria provided, single submitter. Criteria: GeneDx Variant Classification Process June 2021. Collection method: clinical testing. Allele origin: germline. Affected: yes.
Comment: Not observed at significant frequency in large population cohorts (gnomAD); In silico analysis supports that this missense variant has a deleterious effect on protein structure/function; Has not been previously published as pathogenic or benign to our knowledge; Also known as p.(Q2581P)

Labcorp Genetics (formerly Invitae), Labcorp
Classification: Likely benign for Familial hypobetalipoproteinemia 1; Hypercholesterolemia, autosomal dominant, type B. Last evaluated: 2024-10-04. Review status: criteria provided, single submitter. Criteria: Invitae Variant Classification Sherloc (09022015). Collection method: clinical testing. Allele origin: germline.

NM_000384.3(APOB):c.7823A>C (p.Gln2608Pro)

Gene: APOB (apolipoprotein B; minus strand). Cytogenetic location: 2p24.1.
Variant type: single nucleotide variant.
Coding change: c.7823A>C on transcript NM_000384.3 (MANE Select); coding-DNA position 7823, A replaced by C.
Protein change: p.Gln2608Pro; replaces glutamine 2608 with proline.
Molecular consequence: missense variant.
Genome position (GRCh38, 1-based): chr2:21,009,045, T>G on the plus strand (A>C on the coding strand, the complement: APOB is on the minus strand). VCF-style: chr2-21009045-T-G. GRCh37 (hg19) VCF-style: chr2-21231917-T-G.
Other names: short protein forms Q2608P.
Identifiers: ClinVar variation 659523 (VCV000659523.18), dbSNP rs767180578, ClinGen allele CA43501974.
Genomic context (GRCh38, chr2:21,009,045, plus strand): 5'-GATGGAATCCTCAAATCTGTTAGGGGGACTATAAAATCAGGTGTCTGGAAGGTAGCTTTC[T>G]GAAGAGCCTGAAGACTGACTTCAAAGGCAGGCATGGTCCCAAGGATGGTCTTGATTTCAG-3'
Protein context (NP_000375.3, residues 2598-2618): PAFEVSLQAL[Gln2608Pro]KATFQTPDFI